The following is an entry in ClinVar:

NM_012418.4(FSCN2):c.609G>C (p.Glu203Asp)

Gene: FSCN2 (fascin actin-bundling protein 2, retinal; plus strand). Cytogenetic location: 17q25.3.
Variant type: single nucleotide variant.
Coding change: c.609G>C on transcript NM_012418.4 (MANE Select); coding-DNA position 609, G replaced by C.
Protein change: p.Glu203Asp; replaces glutamic acid 203 with aspartic acid.
Molecular consequence: missense variant.
Genome position (GRCh38, 1-based): chr17:81,529,140, G>C. VCF-style: chr17-81529140-G-C. GRCh37 (hg19) VCF-style: chr17-79496166-G-C.
Other names: c.609G>C (NM_001077182.2); c.609G>C, p.Glu203Asp (NM_001077182.3); short protein forms E203D.
Identifiers: ClinVar variation 1023667 (VCV001023667.12), dbSNP rs549616289, ClinGen allele CA8836735.
Genomic context (GRCh38, chr17:81,529,140, plus strand): 5'-GTACTGCCTCAAGTCCTGTGACAGCCGCTACCTGCGCAGCGACGGCCGTCTGGTCTGGGA[G>C]CCTGAGCCCCGTGCCTGCTACACGCTGGAGTTCAAGGCGGGCAAGCTGGCCTTCAAGGAC-3'
Protein context (NP_036550.1, residues 193-213): YLRSDGRLVW[Glu203Asp]PEPRACYTLE

ClinVar aggregate classification (germline): Uncertain significance. Review status: criteria provided, multiple submitters, no conflicts (2 of 4 stars). 3 submissions from 3 submitters: Uncertain significance (3). Last evaluated 2025-05-12.

Allele frequency attached by ClinVar (database versions not stated): gnomAD 0.00002 and 0.00003; gnomAD exomes 0.00004 and 0.00005; ExAC 0.00005; TOPMed 0.00010; 1000 Genomes Project 30x 0.00016; 1000 Genomes Project 0.00020.
gnomAD v4.1: 72 of 1,584,510 alleles (0.0045%); highest among the groups gnomAD compares: Middle Eastern, 0.017%; no homozygotes.

Submissions (3):

Labcorp Genetics (formerly Invitae), Labcorp
Classification: Uncertain significance. Last evaluated: 2025-05-12. Review status: criteria provided, single submitter. Criteria: Invitae Variant Classification Sherloc (09022015). Collection method: clinical testing. Allele origin: germline.
Comment: This sequence change replaces glutamic acid, which is acidic and polar, with aspartic acid, which is acidic and polar, at codon 203 of the FSCN2 protein (p.Glu203Asp). This variant is present in population databases (rs549616289, gnomAD 0.01%). This variant has not been reported in the literature in individuals affected with FSCN2-related conditions. ClinVar contains an entry for this variant (Variation ID: 1023667). An algorithm developed to predict the effect of missense changes on protein structure and function (PolyPhen-2) suggests that this variant is likely to be tolerated. In summary, the available evidence is currently insufficient to determine the role of this variant in disease. Therefore, it has been classified as a Variant of Uncertain Significance.

Ambry Genetics
Classification: Uncertain significance. Last evaluated: 2024-09-27. Review status: criteria provided, single submitter. Criteria: Ambry Variant Classification Scheme 2023. Collection method: clinical testing. Allele origin: germline.

Breakthrough Genomics
Classification: Uncertain significance. Review status: criteria provided, single submitter. Criteria: ACMG Guidelines, 2015. Collection method: not provided. Allele origin: germline. Inheritance: Unknown mechanism. Affected: yes.